The following is an entry in ClinVar:

ClinVar aggregate classification (germline): Uncertain significance. Review status: criteria provided, multiple submitters, no conflicts (2 of 4 stars). 4 submissions from 4 submitters: Uncertain significance (4). Last evaluated 2026-01-18.

Conditions:
Inborn genetic diseases. Identifiers: MedGen C0950123, MeSH D030342.

Allele frequency attached by ClinVar (database versions not stated): ExAC 0.00003; TOPMed 0.00003; gnomAD 0.00004; gnomAD exomes 0.00005.
gnomAD v4.1: 82 of 1,581,234 alleles (0.0052%); highest among the groups gnomAD compares: South Asian, 0.016%; no homozygotes.

Submissions (4):

Labcorp Genetics (formerly Invitae), Labcorp
Classification: Uncertain significance. Last evaluated: 2026-01-18. Review status: criteria provided, single submitter. Criteria: Invitae Variant Classification Sherloc (09022015). Collection method: clinical testing. Allele origin: germline.
Comment: This sequence change replaces arginine, which is basic and polar, with glutamine, which is neutral and polar, at codon 2061 of the MYO7A protein (p.Arg2061Gln). This variant is present in population databases (rs202175478, gnomAD 0.03%). This missense change has been observed in individual(s) with autosomal recessive deafness (PMID: 35982127). ClinVar contains an entry for this variant (Variation ID: 2143031). Invitae Evidence Modeling of protein sequence and biophysical properties (such as structural, functional, and spatial information, amino acid conservation, physicochemical variation, residue mobility, and thermodynamic stability) indicates that this missense variant is not expected to disrupt MYO7A protein function with a negative predictive value of 95%. In summary, the available evidence is currently insufficient to determine the role of this variant in disease. Therefore, it has been classified as a Variant of Uncertain Significance.

GeneDx
Classification: Uncertain significance. Last evaluated: 2023-02-27. Review status: criteria provided, single submitter. Criteria: GeneDx Variant Classification Process June 2021. Collection method: clinical testing. Allele origin: germline. Affected: yes.
Comment: In silico analysis supports that this missense variant has a deleterious effect on protein structure/function; Has not been previously published as pathogenic or benign to our knowledge

Blueprint Genetics
Classification: Uncertain significance. Last evaluated: 2022-07-18. Review status: criteria provided, single submitter. Criteria: ACMG Guidelines, 2015. Collection method: clinical testing. Allele origin: germline.

Ambry Genetics
Classification: Uncertain significance for Inborn genetic diseases. Last evaluated: 2021-09-01. Review status: criteria provided, single submitter. Criteria: Ambry Variant Classification Scheme 2023. Collection method: clinical testing. Allele origin: germline.

Literature cited by the submitters: PubMed 35982127 (cited by Labcorp Genetics (formerly Invitae), Labcorp).

NM_000260.4(MYO7A):c.6182G>A (p.Arg2061Gln)

Gene: MYO7A (myosin VIIA; plus strand). Cytogenetic location: 11q13.5.
Variant type: single nucleotide variant.
Coding change: c.6182G>A on transcript NM_000260.4 (MANE Select); coding-DNA position 6182, G replaced by A.
Protein change: p.Arg2061Gln; replaces arginine 2061 with glutamine.
Molecular consequence: missense variant.
Genome position (GRCh38, 1-based): chr11:77,211,282, G>A. VCF-style: chr11-77211282-G-A. GRCh37 (hg19) VCF-style: chr11-76922327-G-A.
Other names: c.6068G>A, p.Arg2023Gln (NM_001127180.2); c.6035G>A, p.Arg2012Gln (NM_001369365.1); c.6182G>A (NM_000260.3); short protein forms R2061Q, R2012Q, R2023Q.
Identifiers: ClinVar variation 2143031 (VCV002143031.6), dbSNP rs202175478, ClinGen allele CA6198948.